The following is an entry in ClinVar:

ClinVar aggregate classification (germline): Conflicting classifications of pathogenicity. Review status: criteria provided, conflicting classifications (1 of 4 stars). 4 submissions from 4 submitters: Likely pathogenic (1); Uncertain significance (3). Last evaluated 2025-01-15.

Conditions:
Hypotonia, infantile, with psychomotor retardation and characteristic facies 3 (IHPRF3). Also called: TBCK-Related Neurodevelopmental Disorder. Identifiers: Orphanet 488632, MedGen C5567480, MONDO:0014823, OMIM 616900.

Allele frequency attached by ClinVar (database versions not stated): gnomAD 0.00001; gnomAD exomes 0.00001; TOPMed 0.00002.
gnomAD v4.1: 8 of 1,278,340 alleles (0.00063%); highest among the groups gnomAD compares: East Asian, 0.02%; no homozygotes.

Submissions (4):

Broad Center for Mendelian Genomics, Broad Institute of MIT and Harvard
Classification: Uncertain significance for Hypotonia, infantile, with psychomotor retardation and characteristic facies 3. Last evaluated: 2025-01-15. Review status: criteria provided, single submitter. Criteria: ACMG Guidelines, 2015. Collection method: curation. Allele origin: germline. Inheritance: Autosomal recessive inheritance.
Comment: The p.Ile130Asn variant in TBCK has been reported, in the homozygous state, in one individual with TBCK-related intellectual disability syndrome (PMID: 34298581), and has been identified in 0.02% (7/35866) of East Asian chromosomes by the Genome Aggregation Database (gnomAD; dbSNP ID: rs1213724402). Although this variant has been seen in the general population in a heterozygous state, its frequency is not high enough to rule out a pathogenic role. This variant has also been reported in ClinVar (Variation ID: 1172767) and has been interpreted as likely pathogenic by the Laboratory of Genetics and Metabolism (Hunan Children‚Äôs Hospital), and as a variant of uncertain significance by Invitae. Computational prediction tools and conservation analyses do not provide strong support for or against an impact to the protein. In summary, the clinical significance of the p.Ile130Asn variant is uncertain. ACMG/AMP Criteria applied: PM3_supporting (Richards 2015).

GeneDx
Classification: Uncertain significance. Last evaluated: 2024-10-28. Review status: criteria provided, single submitter. Criteria: GeneDx Variant Classification Process June 2021. Collection method: clinical testing. Allele origin: germline. Affected: yes.
Comment: Not observed at significant frequency in large population cohorts (gnomAD); In silico analysis supports that this missense variant has a deleterious effect on protein structure/function; This variant is associated with the following publications: (PMID: 34298581)

Labcorp Genetics (formerly Invitae), Labcorp
Classification: Uncertain significance. Last evaluated: 2022-06-07. Review status: criteria provided, single submitter. Criteria: Invitae Variant Classification Sherloc (09022015). Collection method: clinical testing. Allele origin: germline.
Comment: This sequence change replaces isoleucine, which is neutral and non-polar, with asparagine, which is neutral and polar, at codon 130 of the TBCK protein (p.Ile130Asn). This variant is present in population databases (no rsID available, gnomAD 0.02%). This missense change has been observed in individual(s) with TBCK-related conditions (PMID: 34298581). ClinVar contains an entry for this variant (Variation ID: 1172767). Algorithms developed to predict the effect of missense changes on protein structure and function are either unavailable or do not agree on the potential impact of this missense change (SIFT: "Deleterious"; PolyPhen-2: "Possibly Damaging"; Align-GVGD: "Class C0"). In summary, the available evidence is currently insufficient to determine the role of this variant in disease. Therefore, it has been classified as a Variant of Uncertain Significance.

The Laboratory of Genetics and Metabolism, Hunan Children’s Hospital
Classification: Likely pathogenic for Hypotonia, infantile, with psychomotor retardation and characteristic facies 3. Last evaluated: 2021-03-06. Review status: criteria provided, single submitter. Criteria: ACMG Guidelines, 2015. Collection method: research. Allele origin: inherited. Affected: yes. Observed: 1 variant allele.

Literature cited by the submitters: PubMed 34298581 (cited by Labcorp Genetics (formerly Invitae), Labcorp and The Laboratory of Genetics and Metabolism, Hunan Children’s Hospital).

NM_001163435.3(TBCK):c.389T>A (p.Ile130Asn)

Gene: TBCK (TBC1 domain containing kinase; minus strand). Cytogenetic location: 4q24.
Variant type: single nucleotide variant.
Coding change: c.389T>A on transcript NM_001163435.3 (MANE Select); coding-DNA position 389, T replaced by A.
Protein change: p.Ile130Asn; replaces isoleucine 130 with asparagine.
Molecular consequence: missense variant. On other transcripts: 5 prime UTR variant (1), intron variant (1).
Genome position (GRCh38, 1-based): chr4:106,260,503, A>T on the plus strand (T>A on the coding strand, the complement: TBCK is on the minus strand). VCF-style: chr4-106260503-A-T. GRCh37 (hg19) VCF-style: chr4-107181660-A-T.
Other names: NM_001163435.3(TBCK):c.389T>A; p.Ile130Asn; c.389T>A, p.Ile130Asn (NM_001163436.4, NM_001163437.3); c.-229T>A (NM_001290768.2); c.267-8496T>A (NM_033115.5); c.389T>A (NM_001163435.2); short protein forms I130N.
Identifiers: ClinVar variation 1172767 (VCV001172767.5), dbSNP rs1213724402, ClinGen allele CA357970173.